The following is an entry in ClinVar:

ClinVar aggregate classification (germline): Benign (1 of 4 stars; one submission).

Allele frequency attached by ClinVar (database versions not stated): TOPMed 0.23195; 1000 Genomes Project 0.24960; 1000 Genomes Project 30x 0.25703.
gnomAD v4.1: 153,906 of 951,564 alleles (16%); highest among the groups gnomAD compares: African/African-American, 45%; 16,799 homozygotes.

Submission:

GeneDx
Classification: Benign. Last evaluated: 2018-06-19. Review status: criteria provided, single submitter. Criteria: GeneDx Variant Classification (06012015). Collection method: clinical testing. Allele origin: germline. Affected: yes.
Comment: This variant is considered likely benign or benign based on one or more of the following criteria: it is a conservative change, it occurs at a poorly conserved position in the protein, it is predicted to be benign by multiple in silico algorithms, and/or has population frequency not consistent with disease.

NM_000540.3(RYR1):c.4455-135T>G

Gene: RYR1 (ryanodine receptor 1; plus strand). Cytogenetic location: 19q13.2.
Variant type: single nucleotide variant.
Coding change: c.4455-135T>G on transcript NM_000540.3 (MANE Select); 135 bases into the intron before coding-DNA position 4455, T replaced by G.
Molecular consequence: intron variant.
Genome position (GRCh38, 1-based): chr19:38,478,300, T>G. VCF-style: chr19-38478300-T-G. GRCh37 (hg19) VCF-style: chr19-38968940-T-G.
Other names: c.4455-135T>G (NM_001042723.2).
Identifiers: ClinVar variation 669193 (VCV000669193.1), dbSNP rs56271299, ClinGen allele CA14688950.